The following is an entry in ClinVar:

NM_007078.3(LDB3):c.55G>A (p.Gly19Arg)

Gene: LDB3 (LIM domain binding 3; plus strand). Cytogenetic location: 10q23.2.
Variant type: single nucleotide variant.
Coding change: c.55G>A on transcript NM_007078.3 (MANE Select); coding-DNA position 55, G replaced by A.
Protein change: p.Gly19Arg; replaces glycine 19 with arginine.
Molecular consequence: missense variant.
Genome position (GRCh38, 1-based): chr10:86,668,746, G>A. VCF-style: chr10-86668746-G-A. GRCh37 (hg19) VCF-style: chr10-88428503-G-A.
Other names: c.55G>A, p.Gly19Arg (NM_001171611.2, NM_001368063.1, NM_001368064.1 and 8 more transcripts); short protein forms G19R.
Identifiers: ClinVar variation 651199 (VCV000651199.11), dbSNP rs777413488, ClinGen allele CA377448766.

ClinVar aggregate classification (germline): Uncertain significance. Review status: criteria provided, multiple submitters, no conflicts (2 of 4 stars). 2 submissions from 2 submitters: Uncertain significance (2). Last evaluated 2019-08-22.

Conditions:
Myofibrillar myopathy 4. Also called: Zaspopathy (type). Identifiers: Orphanet 98912, MedGen C4721886, MONDO:0012277, OMIM 609452.

gnomAD v4.1: 2 of 1,613,288 alleles (0.00012%); highest among the groups gnomAD compares: Non-Finnish European, 0.00017%; no homozygotes.

Submissions (2):

Revvity Omics, Revvity
Classification: Uncertain significance. Last evaluated: 2019-08-22. Review status: criteria provided, single submitter. Criteria: ACMG Guidelines, 2015. Collection method: clinical testing. Allele origin: germline.

Labcorp Genetics (formerly Invitae), Labcorp
Classification: Uncertain significance for Myofibrillar myopathy 4. Last evaluated: 2018-08-09. Review status: criteria provided, single submitter. Criteria: Invitae Variant Classification Sherloc (09022015). Collection method: clinical testing. Allele origin: germline.
Comment: This sequence change replaces glycine with arginine at codon 19 of the LDB3 protein (p.Gly19Arg). The glycine residue is moderately conserved and there is a moderate physicochemical difference between glycine and arginine. This variant is not present in population databases (ExAC no frequency). This variant has not been reported in the literature in individuals with LDB3-related disease. Algorithms developed to predict the effect of missense changes on protein structure and function are either unavailable or do not agree on the potential impact of this missense change (SIFT: "Tolerated"; PolyPhen-2: "Probably Damaging"; Align-GVGD: "Class C0"). In summary, the available evidence is currently insufficient to determine the role of this variant in disease. Therefore, it has been classified as a Variant of Uncertain Significance.